The following is an entry in ClinVar:

ClinVar aggregate classification (germline): Likely pathogenic (1 of 4 stars; one submission).

Conditions:
Cardiovascular phenotype. Identifiers: MedGen CN230736.
Hereditary cancer-predisposing syndrome. Also called: Hereditary neoplastic syndrome; Neoplastic Syndromes, Hereditary; Tumor predisposition; Hereditary Cancer Syndrome. Identifiers: Orphanet 140162, MedGen C0027672, MeSH D009386, MONDO:0015356.

Submission:

Ambry Genetics
Classification: Likely pathogenic for Cardiovascular phenotype; Hereditary cancer-predisposing syndrome. Last evaluated: 2025-08-08. Review status: criteria provided, single submitter. Criteria: Ambry Variant Classification Scheme 2023. Collection method: clinical testing. Allele origin: germline.
Comment: The c.205-1_208delGAGAA variant results from a deletion of 5 nucleotides between positions c.205-1 and c.208 and involves the canonical splice acceptor site before coding exon 3 of the NF1 gene. This variant is considered to be rare based on population cohorts in the Genome Aggregation Database (gnomAD). The canonical splice acceptor site is highly conserved in available vertebrate species. In silico splice site analysis predicts that this alteration will weaken the native splice acceptor site and may result in the creation or strengthening of a novel splice acceptor site. RNA studies have demonstrated that this alteration results in abnormal splicing in the set of samples tested (Ambry internal data). Based on the majority of available evidence to date, this variant is likely to be pathogenic.

NM_001042492.3(NF1):c.205-1_208del

Gene: NF1 (neurofibromin 1; plus strand). Cytogenetic location: 17q11.2.
Variant type: Deletion.
Coding change: c.205-1_208del on transcript NM_001042492.3 (MANE Select); the canonical splice acceptor site of the intron before coding-DNA position 205 through coding-DNA position 208, 5 bases deleted (GAGAA; older notation c.205-1_208delGAGAA).
Molecular consequence: splice acceptor variant.
Genome position (GRCh38, 1-based): chr17:31,159,009-31,159,013, GAGAA deleted; deleting any 5 consecutive bases within chr17:31,159,008-31,159,013 gives the same sequence; the c. name uses the placement nearest the transcript's 3' end. VCF-style (leftmost placement, unchanged base first): chr17-31159007-TAGAGA-T. GRCh37 (hg19) VCF-style: chr17-29486025-TAGAGA-T.
Other names: c.205-1_208del (NM_000267.4, NM_001128147.3).
Identifiers: ClinVar variation 4119129 (VCV004119129.1).